The following is an entry in ClinVar:

NM_001134407.3(GRIN2A):c.146G>A (p.Arg49His)

Gene: GRIN2A (glutamate ionotropic receptor NMDA type subunit 2A; minus strand). Cytogenetic location: 16p13.2.
Variant type: single nucleotide variant.
Coding change: c.146G>A on transcript NM_001134407.3 (MANE Select); coding-DNA position 146, G replaced by A.
Protein change: p.Arg49His; replaces arginine 49 with histidine.
Molecular consequence: missense variant.
Genome position (GRCh38, 1-based): chr16:10,180,266, C>T on the plus strand (G>A on the coding strand, the complement: GRIN2A is on the minus strand). VCF-style: chr16-10180266-C-T. GRCh37 (hg19) VCF-style: chr16-10274123-C-T.
Other names: c.146G>A, p.Arg49His (NM_000833.5, NM_001134408.2); short protein forms R49H.
Identifiers: ClinVar variation 1328149 (VCV001328149.4), dbSNP rs774442834, ClinGen allele CA7897040.

ClinVar aggregate classification (germline): Uncertain significance (1 of 4 stars; one submission).

Conditions:
Complex neurodevelopmental disorder. Identifiers: Orphanet 528084, MedGen C5568766, MONDO:0100038.

Allele frequency attached by ClinVar (database versions not stated): gnomAD exomes below 0.00001 and 0.00001; TOPMed below 0.00001; ExAC 0.00001.
gnomAD v4.1: 7 of 1,613,696 alleles (0.00043%); highest among the groups gnomAD compares: East Asian, 0.0089%; no homozygotes.

Submission:

Illumina Laboratory Services, Illumina
Classification: Uncertain significance for Complex neurodevelopmental disorder. Last evaluated: 2021-09-03. Review status: criteria provided, single submitter. Criteria: ICSLVariantClassificationCriteria RUGD 01 April 2020. Collection method: clinical testing. Allele origin: unknown.
Comment: The GRIN2A c.146G>A (p.Arg49His) variant is a missense variant. A literature search was conducted for the gene, cDNA change, and amino acid change. No publications were identified through that search. The p.Arg49His variant is reported at a frequency of 0.000009 in the European (non-Finnish) population of the Genome Aggregation Database (version 2.1.1). This frequency is based on one allele in a region of good sequencing coverage, so the variant is presumed to be rare. Strehlow et al. (2018) reported that disease-causing missense variants tend to cluster in functionally important domains near the center of the gene, namely the S1 and S2 ligand binding domains as well as the M1-M4 transmembrane domains and linker regions. This variant is located within a zinc binding domain near the N-terminal, and in silico algorithms do not consistently predict this variant will impact protein structure. Based on the limited evidence available, the p.Arg49His variant is classified as a variant of uncertain significance for GRIN2A-complex neurodevelopmental disorder.

Literature cited by the submitters: PubMed 30544257.